The following is an entry in ClinVar:

NM_001204.7(BMPR2):c.2416A>G (p.Met806Val)

Gene: BMPR2 (bone morphogenetic protein receptor type 2; plus strand). Cytogenetic location: 2q33.2.
Variant type: single nucleotide variant.
Coding change: c.2416A>G on transcript NM_001204.7 (MANE Select); coding-DNA position 2416, A replaced by G.
Protein change: p.Met806Val; replaces methionine 806 with valine.
Molecular consequence: missense variant.
Genome position (GRCh38, 1-based): chr2:202,556,081, A>G. VCF-style: chr2-202556081-A-G. GRCh37 (hg19) VCF-style: chr2-203420804-A-G.
Other names: short protein forms M806V.
Identifiers: ClinVar variation 4843366 (VCV004843366.1).

ClinVar aggregate classification (germline): Uncertain significance (1 of 4 stars; one submission).

Conditions:
Inborn genetic diseases. Identifiers: MedGen C0950123, MeSH D030342.

Submission:

Ambry Genetics
Classification: Uncertain significance for Inborn genetic diseases. Last evaluated: 2025-12-24. Review status: criteria provided, single submitter. Criteria: Ambry Variant Classification Scheme 2023. Collection method: clinical testing. Allele origin: germline.
Comment: The p.M806V variant (also known as c.2416A>G), located in coding exon 12 of the BMPR2 gene, results from an A to G substitution at nucleotide position 2416. The methionine at codon 806 is replaced by valine, an amino acid with highly similar properties. This amino acid position is conserved. In addition, this alteration is predicted to be tolerated by in silico analysis. Based on the available evidence, the clinical significance of this variant remains unclear.